The following is an entry in ClinVar:

NM_000384.3(APOB):c.10549G>A (p.Ala3517Thr)

Gene: APOB (apolipoprotein B; minus strand). Cytogenetic location: 2p24.1.
Variant type: single nucleotide variant.
Coding change: c.10549G>A on transcript NM_000384.3 (MANE Select); coding-DNA position 10549, G replaced by A.
Protein change: p.Ala3517Thr; replaces alanine 3517 with threonine.
Molecular consequence: missense variant.
Genome position (GRCh38, 1-based): chr2:21,006,319, C>T on the plus strand (G>A on the coding strand, the complement: APOB is on the minus strand). VCF-style: chr2-21006319-C-T. GRCh37 (hg19) VCF-style: chr2-21229191-C-T.
Other names: c.10549G>A (NM_000384.2); short protein forms A3517T.
Identifiers: ClinVar variation 2923969 (VCV002923969.5), dbSNP rs573670976, ClinGen allele CA044016.

ClinVar aggregate classification (germline): Conflicting classifications of pathogenicity. Review status: criteria provided, conflicting classifications (1 of 4 stars). 3 submissions from 3 submitters: Uncertain significance (2); Likely benign (1). Last evaluated 2026-07-29.

Conditions:
Hypercholesterolemia, autosomal dominant, type B (FHCL2). Also called: Familial Hypercholesterolemia Type B; Hyperlipoproteinemia Type IIb; APOB-Related Familial Hypercholesterolemia, Autosomal Dominant; APOLIPOPROTEIN B-100, FAMILIAL DEFECTIVE; APOLIPOPROTEIN B-100, FAMILIAL LIGAND-DEFECTIVE; HYPERCHOLESTEROLEMIA, FAMILIAL, DUE TO LIGAND-DEFECTIVE APOLIPOPROTEIN B. Identifiers: MedGen C1704417, MONDO:0007751, OMIM 144010.
Familial hypobetalipoproteinemia 1. Also called: APOB-Related Familial Hypobetalipoproteinemia; Hypobetalipoproteinemia, normotriglyceridemic; Acanthocytosis with hypobetalipoproteinemia. Identifiers: MedGen C4551990, MONDO:0014252, OMIM 615558.
APOB-related disorder. Also called: APOB-related condition; APOB-related disorders.

Allele frequency attached by ClinVar (database versions not stated): ExAC 0.00001; gnomAD exomes 0.00001; TOPMed 0.00002; gnomAD 0.00003; 1000 Genomes Project 30x 0.00016; 1000 Genomes Project 0.00020.
gnomAD v4.1: 8 of 1,614,010 alleles (0.0005%); highest among the groups gnomAD compares: African/African-American, 0.008%; no homozygotes.

Submissions (3):

PreventionGenetics, part of Exact Sciences
Classification: Uncertain significance for APOB-related condition. Last evaluated: 2026-07-29. Review status: criteria provided, single submitter. Criteria: ACMG Guidelines, 2015. Collection method: clinical testing. Allele origin: germline.
Comment: The APOB c.10549G>A variant is predicted to result in the amino acid substitution p.Ala3517Thr. To our knowledge, this variant has not been reported in the literature. This variant is reported in 0.0062% of alleles in individuals of African descent in gnomAD. At this time, the clinical significance of this variant is uncertain due to the absence of conclusive functional and genetic evidence.

Women's Health and Genetics/Laboratory Corporation of America, LabCorp
Classification: Uncertain significance. Last evaluated: 2024-11-18. Review status: criteria provided, single submitter. Criteria: LabCorp Variant Classification Summary - May 2015. Collection method: clinical testing. Allele origin: germline.
Comment: Variant summary: APOB c.10549G>A (p.Ala3517Thr) results in a non-conservative amino acid change in the encoded protein sequence. Three of five in-silico tools predict a damaging effect of the variant on protein function. The variant allele was found at a frequency of 8e-06 in 250646 control chromosomes. The available data on variant occurrences in the general population are insufficient to allow any conclusion about variant significance. To our knowledge, no occurrence of c.10549G>A in individuals affected with Familial Hypercholesterolemia and no experimental evidence demonstrating its impact on protein function have been reported. ClinVar contains an entry for this variant (Variation ID: 2923969). Based on the evidence outlined above, the variant was classified as uncertain significance.

Labcorp Genetics (formerly Invitae), Labcorp
Classification: Likely benign for Familial hypobetalipoproteinemia 1; Hypercholesterolemia, autosomal dominant, type B. Last evaluated: 2024-10-05. Review status: criteria provided, single submitter. Criteria: Invitae Variant Classification Sherloc (09022015). Collection method: clinical testing. Allele origin: germline.